The following is an entry in ClinVar:

ClinVar aggregate classification (germline): Conflicting classifications of pathogenicity. Review status: criteria provided, conflicting classifications (1 of 4 stars). 2 submissions from 2 submitters: Uncertain significance (1); Benign (1). Last evaluated 2026-05-20.

Conditions:
Ovarian cancer. Also called: OVARIAN CANCER, SOMATIC. Identifiers: Orphanet 213500, MedGen C1140680, MONDO:0008170, OMIM 167000.
Inborn genetic diseases. Identifiers: MedGen C0950123, MeSH D030342.

Submissions (2):

Ambry Genetics
Classification: Uncertain significance for Inborn genetic diseases. Last evaluated: 2026-05-20. Review status: criteria provided, single submitter. Criteria: Ambry Variant Classification Scheme 2023. Collection method: clinical testing. Allele origin: germline.
Comment: The p.A149V variant (also known as c.446C>T), located in coding exon 1 of the WT1 gene, results from a C to T substitution at nucleotide position 446. The alanine at codon 149 is replaced by valine, an amino acid with similar properties. This amino acid position is well conserved in available vertebrate species. In addition, this alteration is predicted to be tolerated by in silico analysis. Based on the available evidence, the clinical significance of this variant remains unclear.

Laboratory of Molecular Epidemiology of Birth Defects, West China Second University Hospital, Sichuan University
Classification: Benign for Ovarian cancer. Last evaluated: 2022-01-01. Review status: criteria provided, single submitter. Criteria: ACMG Guidelines, 2015. Collection method: clinical testing. Allele origin: germline. Affected: yes.

NM_024426.6(WT1):c.461C>T (p.Ala154Val)

Genes: WT1 (WT1 transcription factor; minus strand), LOC107982234 (WT1/WT1-AS bi-directional promoter region; plus strand). Cytogenetic location: 11p13.
Variant type: single nucleotide variant.
Coding change: c.461C>T on transcript NM_024426.6 (MANE Select); coding-DNA position 461, C replaced by T.
Protein change: p.Ala154Val; replaces alanine 154 with valine.
Molecular consequence: missense variant. On other transcripts: non-coding transcript variant (1).
Genome position (GRCh38, 1-based): chr11:32,434,900, G>A on the plus strand (C>T on the coding strand, the complement: WT1 is on the minus strand). VCF-style: chr11-32434900-G-A. GRCh37 (hg19) VCF-style: chr11-32456446-G-A.
Other names: c.461C>T, p.Ala154Val (NM_000378.6, NM_001407044.1, NM_001407045.1 and 6 more transcripts); c.446C>T, p.Ala149Val (NM_024425.2); short protein forms A149V, A154V.
Identifiers: ClinVar variation 2445386 (VCV002445386.3), dbSNP rs2133103151, ClinGen allele CA379965013.